The following is an entry in ClinVar:

ClinVar aggregate classification (germline): Likely pathogenic (1 of 4 stars; one submission).

Conditions:
HYPERHOMOCYSTEINEMIA, THROMBOTIC, CBS-RELATED. Identifiers: MedGen C3150344, OMIM 236200.

Submission:

Labcorp Genetics (formerly Invitae), Labcorp
Classification: Likely pathogenic for HYPERHOMOCYSTEINEMIA, THROMBOTIC, CBS-RELATED. Last evaluated: 2019-04-18. Review status: criteria provided, single submitter. Criteria: Invitae Variant Classification Sherloc (09022015). Collection method: clinical testing. Allele origin: germline.
Comment: This variant is a deletion of the genomic region encompassing part of exon 3 (c.208_209+8del) of the CBS gene. It is expected to disrupt RNA splicing and likely results in an absent or disrupted protein product. This variant has not been reported in the literature in individuals with CBS-related conditions. Loss-of-function variants in CBS are known to be pathogenic (PMID: 10338090, 12124992). In summary, the currently available evidence indicates that the variant is pathogenic, but additional data are needed to prove that conclusively. Therefore, this variant has been classified as Likely Pathogenic.

Literature cited by the submitters: PubMed 10338090; PubMed 12124992.

NM_000071.3(CBS):c.208_209+8del

Gene: CBS (cystathionine beta-synthase; minus strand). Cytogenetic location: 21q22.3.
Variant type: Deletion.
Coding change: c.208_209+8del on transcript NM_000071.3 (MANE Select); coding-DNA position 208 through 8 bases into the intron after coding-DNA position 209, 10 bases deleted (CCGTAAGTCC; older notation c.208_209+8delCCGTAAGTCC).
Molecular consequence: splice donor variant.
Genome position (GRCh38, 1-based): chr21:43,071,977-43,071,986, GGACTTACGG deleted on the plus strand (CCGTAAGTCC on the coding strand, the reverse complement: CBS is on the minus strand); deleting any 10 consecutive bases within chr21:43,071,977-43,071,988 gives the same sequence; the c. name uses the placement nearest the transcript's 3' end. VCF-style (leftmost placement, unchanged base first): chr21-43071976-AGGACTTACGG-A. GRCh37 (hg19) VCF-style: chr21-44492086-AGGACTTACGG-A.
Other names: c.208_209+8del (NM_001320298.2, NM_001178009.3, NM_001178008.3).
Identifiers: ClinVar variation 946924 (VCV000946924.9), dbSNP rs1983427704, ClinGen allele CA1139666883.